The following is an entry in ClinVar:

NM_001457.4(FLNB):c.7448A>G (p.Asn2483Ser)

Genes: FLNB (filamin B; plus strand), FLNB-AS1 (FLNB antisense RNA 1; minus strand). Cytogenetic location: 3p14.3.
Variant type: single nucleotide variant.
Coding change: c.7448A>G on transcript NM_001457.4 (MANE Select); coding-DNA position 7448, A replaced by G.
Protein change: p.Asn2483Ser; replaces asparagine 2483 with serine.
Molecular consequence: missense variant.
Genome position (GRCh38, 1-based): chr3:58,169,620, A>G. VCF-style: chr3-58169620-A-G. GRCh37 (hg19) VCF-style: chr3-58155347-A-G.
Other names: c.7541A>G, p.Asn2514Ser (NM_001164317.2); c.7415A>G, p.Asn2472Ser (NM_001164318.2); c.7376A>G, p.Asn2459Ser (NM_001164319.2); c.7448A>G (NM_001457.3); short protein forms N2459S, N2514S, N2483S, N2472S.
Identifiers: ClinVar variation 1924063 (VCV001924063.6), dbSNP rs145849608, ClinGen allele CA75433459.

ClinVar aggregate classification (germline): Conflicting classifications of pathogenicity. Review status: criteria provided, conflicting classifications (1 of 4 stars). 2 submissions from 2 submitters: Uncertain significance (1); Likely benign (1). Last evaluated 2024-02-16.

Allele frequency attached by ClinVar (database versions not stated): gnomAD exomes 0.00002; gnomAD 0.00005; TOPMed 0.00005; ESP Exome Variant Server 0.00008; 1000 Genomes Project 0.00020; 1000 Genomes Project 30x 0.00031.
gnomAD v4.1: 34 of 1,614,088 alleles (0.0021%); highest among the groups gnomAD compares: African/African-American, 0.0093%; no homozygotes.

Submissions (2):

Labcorp Genetics (formerly Invitae), Labcorp
Classification: Likely benign. Last evaluated: 2024-02-16. Review status: criteria provided, single submitter. Criteria: Invitae Variant Classification Sherloc (09022015). Collection method: clinical testing. Allele origin: germline.

GeneDx
Classification: Uncertain significance. Last evaluated: 2023-10-22. Review status: criteria provided, single submitter. Criteria: GeneDx Variant Classification Process June 2021. Collection method: clinical testing. Allele origin: germline. Affected: yes.
Comment: In silico analysis supports that this missense variant does not alter protein structure/function; Has not been previously published as pathogenic or benign to our knowledge